The following is an entry in ClinVar:

ClinVar aggregate classification (germline): Uncertain significance (1 of 4 stars; one submission).

Conditions:
Diamond-Blackfan anemia. Also called: Blackfan Diamond syndrome; Aregenerative anemia chronic congenital; Red cell aplasia, pure hereditary; Congenital hypoplastic anemia; Aase syndrome. Identifiers: Orphanet 124, MedGen C1260899, MeSH D029503, MONDO:0015253, HP:0004810.

Allele frequency attached by ClinVar (database versions not stated): TOPMed below 0.00001.

Submission:

Labcorp Genetics (formerly Invitae), Labcorp
Classification: Uncertain significance for Diamond-Blackfan anemia. Last evaluated: 2021-09-04. Review status: criteria provided, single submitter. Criteria: Invitae Variant Classification Sherloc (09022015). Collection method: clinical testing. Allele origin: germline.
Comment: This variant has not been reported in the literature in individuals affected with RPL11-related conditions. Algorithms developed to predict the effect of missense changes on protein structure and function are either unavailable or do not agree on the potential impact of this missense change (SIFT: "Tolerated"; PolyPhen-2: "Possibly Damaging"; Align-GVGD: "Class C0"). Algorithms developed to predict the effect of sequence changes on RNA splicing suggest that this variant may create or strengthen a splice site. In summary, the available evidence is currently insufficient to determine the role of this variant in disease. Therefore, it has been classified as a Variant of Uncertain Significance. This sequence change replaces leucine with methionine at codon 134 of the RPL11 protein (p.Leu134Met). The leucine residue is highly conserved and there is a small physicochemical difference between leucine and methionine. This variant is not present in population databases (ExAC no frequency).

NM_000975.5(RPL11):c.400C>A (p.Leu134Met)

Gene: RPL11 (ribosomal protein L11; plus strand). Cytogenetic location: 1p36.11.
Variant type: single nucleotide variant.
Coding change: c.400C>A on transcript NM_000975.5 (MANE Select); coding-DNA position 400, C replaced by A.
Protein change: p.Leu134Met; replaces leucine 134 with methionine.
Molecular consequence: missense variant.
Genome position (GRCh38, 1-based): chr1:23,695,801, C>A. VCF-style: chr1-23695801-C-A. GRCh37 (hg19) VCF-style: chr1-24022291-C-A.
Other names: c.397C>A, p.Leu133Met (NM_001199802.1); short protein forms L133M, L134M.
Identifiers: ClinVar variation 1407863 (VCV001407863.6), dbSNP rs1644529675, ClinGen allele CA338994248.